The following is an entry in ClinVar:

ClinVar aggregate classification (germline): Uncertain significance. Review status: criteria provided, multiple submitters, no conflicts (2 of 4 stars). 2 submissions from 2 submitters: Uncertain significance (2). Last evaluated 2025-11-11.

Allele frequency attached by ClinVar (database versions not stated): ESP Exome Variant Server 0.00015; gnomAD 0.00016; TOPMed 0.00018.
gnomAD v4.1: 563 of 1,592,690 alleles (0.035%); highest among the groups gnomAD compares: Non-Finnish European, 0.042%; no homozygotes.

Submissions (2):

Labcorp Genetics (formerly Invitae), Labcorp
Classification: Uncertain significance. Last evaluated: 2025-11-11. Review status: criteria provided, single submitter. Criteria: Invitae Variant Classification Sherloc (09022015). Collection method: clinical testing. Allele origin: germline.
Comment: This sequence change replaces proline, which is neutral and non-polar, with leucine, which is neutral and non-polar, at codon 10 of the RPS27 protein (p.Pro10Leu). This variant is present in population databases (rs146810634, gnomAD 0.02%). This variant has not been reported in the literature in individuals affected with RPS27-related conditions. ClinVar contains an entry for this variant (Variation ID: 2057360). An algorithm developed to predict the effect of missense changes on protein structure and function (PolyPhen-2) suggests that this variant is likely to be tolerated. In summary, the available evidence is currently insufficient to determine the role of this variant in disease. Therefore, it has been classified as a Variant of Uncertain Significance.

Ambry Genetics
Classification: Uncertain significance. Last evaluated: 2021-06-11. Review status: criteria provided, single submitter. Criteria: Ambry Variant Classification Scheme 2023. Collection method: clinical testing. Allele origin: germline.

NM_001030.6(RPS27):c.29C>T (p.Pro10Leu)

Genes: RPS27 (ribosomal protein S27; plus strand), LOC126805872 (BRD4-independent group 4 enhancer GRCh37_chr1:153962963-153964162; plus strand). Cytogenetic location: 1q21.3.
Variant type: single nucleotide variant.
Coding change: c.29C>T on transcript NM_001030.6 (MANE Select); coding-DNA position 29, C replaced by T.
Protein change: p.Pro10Leu; replaces proline 10 with leucine.
Molecular consequence: missense variant. On other transcripts: 5 prime UTR variant (2).
Genome position (GRCh38, 1-based): chr1:153,991,137, C>T. VCF-style: chr1-153991137-C-T. GRCh37 (hg19) VCF-style: chr1-153963613-C-T.
Other names: c.-68C>T (NM_001349946.2, NM_001349947.2); c.29C>T (NM_001030.4); short protein forms P10L.
Identifiers: ClinVar variation 2057360 (VCV002057360.5), dbSNP rs146810634, ClinGen allele CA1123837.
Genomic context (GRCh38, chr1:153,991,137, plus strand): 5'-TGTTGGTTTCTAAATCTCTGCATTTCTGTCCCTCTTAGCTCGCAAAGGATCTCCTTCATC[C>T]CTCTCCAGAAGAGGAGAAGAGGAAACACAAGAAGAAACGCCTGGTGCAGAGCCCCAATTC-3'
Protein context (NP_001021.1, residues 1-20): MPLAKDLLH[Pro10Leu]SPEEEKRKHK